The following is an entry in ClinVar:

ClinVar aggregate classification (germline): Uncertain significance (1 of 4 stars; one submission).

gnomAD v4.1: 1 of 1,614,040 alleles (0.000062%); highest among the groups gnomAD compares: Non-Finnish European, 0.000085%; no homozygotes.

Submission:

Women's Health and Genetics/Laboratory Corporation of America, LabCorp
Classification: Uncertain significance. Last evaluated: 2024-07-23. Review status: criteria provided, single submitter. Criteria: LabCorp Variant Classification Summary - May 2015. Collection method: clinical testing. Allele origin: germline.
Comment: Variant summary: AP1G1 c.102C>G (p.Ile34Met) results in a conservative amino acid change located in the Clathrin/coatomer adaptor, adaptin-like, N-terminal (IPR017107) of the encoded protein sequence. Three of five in-silico tools predict a damaging effect of the variant on protein function. The variant was absent in 251478 control chromosomes. The available data on variant occurrences in the general population are insufficient to allow any conclusion about variant significance. To our knowledge, no occurrence of c.102C>G in individuals affected with Usmani-Riazuddin Syndrome, Autosomal Recessive and no experimental evidence demonstrating its impact on protein function have been reported. No submitters have cited clinical-significance assessments for this variant to ClinVar. Based on the evidence outlined above, the variant was classified as uncertain significance.

NM_001128.6(AP1G1):c.102C>G (p.Ile34Met)

Gene: AP1G1 (adaptor related protein complex 1 subunit gamma 1; minus strand). Cytogenetic location: 16q22.2.
Variant type: single nucleotide variant.
Coding change: c.102C>G on transcript NM_001128.6 (MANE Select); coding-DNA position 102, C replaced by G.
Protein change: p.Ile34Met; replaces isoleucine 34 with methionine.
Molecular consequence: missense variant.
Genome position (GRCh38, 1-based): chr16:71,789,378, G>C on the plus strand (C>G on the coding strand, the complement: AP1G1 is on the minus strand). VCF-style: chr16-71789378-G-C. GRCh37 (hg19) VCF-style: chr16-71823281-G-C.
Other names: c.102C>G, p.Ile34Met (NM_001030007.2); short protein forms I34M.
Identifiers: ClinVar variation 3339369 (VCV003339369.1).
Genomic context (GRCh38, chr16:71,789,378, plus strand): 5'-CAGTAATTTTGCCACATTCCGACATCGGTATGTATTGTCTTCTTCTCTAAAAGATGACCG[G>C]ATTGCAGCACATTCTTTCTGGATCATTTCTCGTTCTTCAGCTTGGGTTCGGGCTGTCCGG-3'
Protein context (NP_001119.3, residues 24-44): REMIQKECAA[Ile34Met]RSSFREEDNT